The following is an entry in ClinVar:

ClinVar aggregate classification (germline): Uncertain significance. Review status: criteria provided, multiple submitters, no conflicts (2 of 4 stars). 2 submissions from 2 submitters: Uncertain significance (2). Last evaluated 2023-12-05.

Conditions:
Arrhythmogenic cardiomyopathy with wooly hair and keratoderma. Also called: PALMOPLANTAR KERATODERMA WITH LEFT VENTRICULAR CARDIOMYOPATHY AND WOOLLY HAIR; Carvajal syndrome; Dilated cardiomyopathy with woolly hair and keratoderma; Arrhythmogenic cardiomyopathy with woolly hair and keratoderma. Identifiers: Orphanet 65282, MedGen C1854063, MONDO:0011581, OMIM 605676.
Arrhythmogenic right ventricular dysplasia 8 (ARVD8). Also called: ARRHYTHMOGENIC RIGHT VENTRICULAR DYSPLASIA, FAMILIAL, 8; ARRHYTHMOGENIC RIGHT VENTRICULAR CARDIOMYOPATHY 8; Arrhythmogenic Right Ventricular Dysplasia/Cardiomyopathy 8. Identifiers: MedGen C1843896, MONDO:0011831, OMIM 607450.
Cardiomyopathy (CMYO). Also called: Cardiomyopathies. Identifiers: Orphanet 167848, MedGen C0878544, MONDO:0004994, HP:0001638. Inheritance: Various modes of inheritance.

gnomAD v4.1: 1 of 1,613,818 alleles (0.000062%); highest among the groups gnomAD compares: South Asian, 0.0011%; no homozygotes.

Submissions (2):

Color Diagnostics, LLC DBA Color Health
Classification: Uncertain significance for Cardiomyopathy. Last evaluated: 2023-12-05. Review status: criteria provided, single submitter. Criteria: ACMG Guidelines, 2015. Collection method: clinical testing. Allele origin: germline.
Comment: Variant of Uncertain Significance due to insufficient evidence: This missense variant is located in the plakin domain of the DSP protein. Computational prediction tools and conservation analyses are inconclusive regarding the impact of this variant on the protein function. Computational splicing tools suggest that this variant may impact RNA splicing. To our knowledge, functional assays have not been performed for this variant nor has this variant been reported in individuals affected with cardiovascular disorders in the literature. This variant is rare in the general population and has been identified in 0/277264 chromosomes by the Genome Aggregation Database (gnomAD). Available evidence is insufficient to determine the pathogenicity of this variant conclusively.

Labcorp Genetics (formerly Invitae), Labcorp
Classification: Uncertain significance for Arrhythmogenic cardiomyopathy with wooly hair and keratoderma; Arrhythmogenic right ventricular dysplasia 8. Last evaluated: 2022-07-30. Review status: criteria provided, single submitter. Criteria: Invitae Variant Classification Sherloc (09022015). Collection method: clinical testing. Allele origin: germline.
Comment: In summary, the available evidence is currently insufficient to determine the role of this variant in disease. Therefore, it has been classified as a Variant of Uncertain Significance. Algorithms developed to predict the effect of missense changes on protein structure and function output the following: SIFT: "Tolerated"; PolyPhen-2: "Benign"; Align-GVGD: "Class C0". The valine amino acid residue is found in multiple mammalian species, which suggests that this missense change does not adversely affect protein function. ClinVar contains an entry for this variant (Variation ID: 629693). This variant has not been reported in the literature in individuals affected with DSP-related conditions. This variant is not present in population databases (gnomAD no frequency). This sequence change replaces isoleucine, which is neutral and non-polar, with valine, which is neutral and non-polar, at codon 1004 of the DSP protein (p.Ile1004Val).

NM_004415.4(DSP):c.3010A>G (p.Ile1004Val)

Gene: DSP (desmoplakin; plus strand). Cytogenetic location: 6p24.3.
Variant type: single nucleotide variant.
Coding change: c.3010A>G on transcript NM_004415.4 (MANE Select); coding-DNA position 3010, A replaced by G.
Protein change: p.Ile1004Val; replaces isoleucine 1004 with valine.
Molecular consequence: missense variant.
Genome position (GRCh38, 1-based): chr6:7,578,488, A>G. VCF-style: chr6-7578488-A-G. GRCh37 (hg19) VCF-style: chr6-7578721-A-G.
Other names: c.3010A>G (LRG_423t1); c.3010A>G, p.Ile1004Val (NM_001008844.3, NM_001319034.2); short protein forms I1004V.
Identifiers: ClinVar variation 629693 (VCV000629693.9), dbSNP rs1561696251, ClinGen allele CA362682636.